The following is an entry in ClinVar:

NM_000038.6(APC):c.5474A>T (p.Asp1825Val)

Gene: APC (APC regulator of Wnt signaling pathway; plus strand). Cytogenetic location: 5q22.2.
Variant type: single nucleotide variant.
Coding change: c.5474A>T on transcript NM_000038.6 (MANE Select); coding-DNA position 5474, A replaced by T.
Protein change: p.Asp1825Val; replaces aspartic acid 1825 with valine.
Molecular consequence: missense variant.
Genome position (GRCh38, 1-based): chr5:112,841,068, A>T. VCF-style: chr5-112841068-A-T. GRCh37 (hg19) VCF-style: chr5-112176765-A-T.
Other names: c.5474A>T, p.Asp1825Val (NM_001127510.3, NM_001354895.2); c.5420A>T, p.Asp1807Val (NM_001127511.3); c.5528A>T, p.Asp1843Val (NM_001354896.2); c.5504A>T, p.Asp1835Val (NM_001354897.2); c.5399A>T, p.Asp1800Val (NM_001354898.2); c.5390A>T, p.Asp1797Val (NM_001354899.2); c.5351A>T, p.Asp1784Val (NM_001354900.2); c.5297A>T, p.Asp1766Val (NM_001354901.2); and 5 more; short protein forms D1807V, D1825V, D1699V, D1766V, D1797V, D1542V, D1724V, D1734V.
Identifiers: ClinVar variation 537568 (VCV000537568.10), dbSNP rs1554086747, ClinGen allele CA16033309.

ClinVar aggregate classification (germline): Uncertain significance. Review status: criteria provided, multiple submitters, no conflicts (2 of 4 stars). 3 submissions from 3 submitters: Uncertain significance (3). Last evaluated 2025-09-03.

Conditions:
APC-related disorder. Also called: APC-related condition.
Hereditary cancer-predisposing syndrome. Also called: Tumor predisposition; Hereditary neoplastic syndrome; Neoplastic Syndromes, Hereditary; Hereditary Cancer Syndrome. Identifiers: Orphanet 140162, MedGen C0027672, MeSH D009386, MONDO:0015356.
Familial adenomatous polyposis 1 (FAP1). Also called: FAMILIAL ADENOMATOUS POLYPOSIS 1, ATTENUATED; POLYPOSIS, ADENOMATOUS INTESTINAL. Identifiers: MedGen C2713442, MONDO:0021056, OMIM 175100. Disease mechanism: loss of function.

gnomAD v4.1: 1 of 1,612,622 alleles (0.000062%); highest among the groups gnomAD compares: South Asian, 0.0011%; no homozygotes.

Submissions (3):

PreventionGenetics, part of Exact Sciences
Classification: Uncertain significance for APC-related condition. Last evaluated: 2025-09-03. Review status: criteria provided, single submitter. Criteria: ACMG Guidelines, 2015. Collection method: clinical testing. Allele origin: germline.
Comment: The APC c.5474A>T variant is predicted to result in the amino acid substitution p.Asp1825Val. To our knowledge, this variant has not been reported in the literature or in a large population database (gnomAD), indicating this variant is rare. This variant is classified as a variant of uncertain significance in ClinVar (Variation ID: 537568). At this time, the clinical significance of this variant is uncertain due to the absence of conclusive functional and genetic evidence.

Labcorp Genetics (formerly Invitae), Labcorp
Classification: Uncertain significance for Familial adenomatous polyposis 1. Last evaluated: 2025-07-06. Review status: criteria provided, single submitter. Criteria: Invitae Variant Classification Sherloc (09022015). Collection method: clinical testing. Allele origin: germline.
Comment: This sequence change replaces aspartic acid, which is acidic and polar, with valine, which is neutral and non-polar, at codon 1825 of the APC protein (p.Asp1825Val). This variant is not present in population databases (gnomAD no frequency). This variant has not been reported in the literature in individuals affected with APC-related conditions. ClinVar contains an entry for this variant (Variation ID: 537568). Invitae Evidence Modeling of protein sequence and biophysical properties (such as structural, functional, and spatial information, amino acid conservation, physicochemical variation, residue mobility, and thermodynamic stability) indicates that this missense variant is not expected to disrupt APC protein function with a negative predictive value of 95%. In summary, the available evidence is currently insufficient to determine the role of this variant in disease. Therefore, it has been classified as a Variant of Uncertain Significance.

Ambry Genetics
Classification: Uncertain significance for Hereditary cancer-predisposing syndrome. Last evaluated: 2024-11-12. Review status: criteria provided, single submitter. Criteria: Ambry Variant Classification Scheme 2023. Collection method: clinical testing. Allele origin: germline.
Comment: The p.D1825V variant (also known as c.5474A>T), located in coding exon 15 of the APC gene, results from an A to T substitution at nucleotide position 5474. The aspartic acid at codon 1825 is replaced by valine, an amino acid with highly dissimilar properties. This amino acid position is conserved. In addition, in silico predictors for this gene do not accurately predict pathogenicity. Based on the available evidence, the clinical significance of this variant remains unclear.